The following is an entry in ClinVar:

ClinVar aggregate classification (germline): Uncertain significance (1 of 4 stars; one submission).

Conditions:
Holocarboxylase synthetase deficiency. Also called: MULTIPLE CARBOXYLASE DEFICIENCY, EARLY ONSET. Identifiers: Orphanet 79242, MedGen C0268581, MONDO:0009666, OMIM 253270.

Allele frequency attached by ClinVar (database versions not stated): gnomAD 0.00001 and 0.00002; ExAC 0.00004.
gnomAD v4.1: 20 of 1,609,216 alleles (0.0012%); highest among the groups gnomAD compares: East Asian, 0.04%; no homozygotes.

Submission:

Labcorp Genetics (formerly Invitae), Labcorp
Classification: Uncertain significance for Holocarboxylase synthetase deficiency. Last evaluated: 2021-08-27. Review status: criteria provided, single submitter. Criteria: Invitae Variant Classification Sherloc (09022015). Collection method: clinical testing. Allele origin: germline.
Comment: This sequence change falls in intron 4 of the HLCS gene. It does not directly change the encoded amino acid sequence of the HLCS protein. This variant is present in population databases (rs778287214, ExAC 0.05%). This variant has not been reported in the literature in individuals affected with HLCS-related conditions. Algorithms developed to predict the effect of sequence changes on RNA splicing suggest that this variant may disrupt the consensus splice site. In summary, the available evidence is currently insufficient to determine the role of this variant in disease. Therefore, it has been classified as a Variant of Uncertain Significance.

NM_001352514.2(HLCS):c.494-8T>A

Gene: HLCS (holocarboxylase synthetase; minus strand). Cytogenetic location: 21q22.13.
Variant type: single nucleotide variant.
Coding change: c.494-8T>A on transcript NM_001352514.2 (MANE Select); 8 bases into the intron before coding-DNA position 494, T replaced by A.
Molecular consequence: intron variant.
Genome position (GRCh38, 1-based): chr21:36,937,400, A>T on the plus strand (T>A on the coding strand, the complement: HLCS is on the minus strand). VCF-style: chr21-36937400-A-T. GRCh37 (hg19) VCF-style: chr21-38309700-A-T.
Other names: c.53-8T>A (NM_001352517.1, NM_001242785.2, NM_001352515.2 and 4 more transcripts).
Identifiers: ClinVar variation 1517379 (VCV001517379.5), dbSNP rs778287214, ClinGen allele CA10020749.